The following is an entry in ClinVar:

ClinVar aggregate classification (germline): Uncertain significance (1 of 4 stars; one submission).

Conditions:
Ullrich congenital muscular dystrophy 2 (UCMD2). Identifiers: Orphanet 75840, MedGen C4225314, MONDO:0014654, OMIM 616470.
Bethlem myopathy 2 (BTHLM2). Identifiers: Orphanet 536516, Orphanet 610, MedGen C4225313, MONDO:0034022, OMIM 616471.

Allele frequency attached by ClinVar (database versions not stated): gnomAD exomes below 0.00001.
gnomAD v4.1: 2 of 1,610,628 alleles (0.00012%); highest among the groups gnomAD compares: Non-Finnish European, 0.00017%; no homozygotes.

Submission:

Labcorp Genetics (formerly Invitae), Labcorp
Classification: Uncertain significance for Bethlem myopathy 2; Ullrich congenital muscular dystrophy 2. Last evaluated: 2024-10-12. Review status: criteria provided, single submitter. Criteria: Invitae Variant Classification Sherloc (09022015). Collection method: clinical testing. Allele origin: germline.
Comment: This sequence change replaces isoleucine, which is neutral and non-polar, with valine, which is neutral and non-polar, at codon 94 of the COL12A1 protein (p.Ile94Val). This variant is not present in population databases (gnomAD no frequency). This variant has not been reported in the literature in individuals affected with COL12A1-related conditions. Invitae Evidence Modeling of protein sequence and biophysical properties (such as structural, functional, and spatial information, amino acid conservation, physicochemical variation, residue mobility, and thermodynamic stability) has been performed for this missense variant. However, the output from this modeling did not meet the statistical confidence thresholds required to predict the impact of this variant on COL12A1 protein function. In summary, the available evidence is currently insufficient to determine the role of this variant in disease. Therefore, it has been classified as a Variant of Uncertain Significance.

NM_004370.6(COL12A1):c.280A>G (p.Ile94Val)

Gene: COL12A1 (collagen type XII alpha 1 chain; minus strand). Cytogenetic location: 6q13.
Variant type: single nucleotide variant.
Coding change: c.280A>G on transcript NM_004370.6 (MANE Select); coding-DNA position 280, A replaced by G.
Protein change: p.Ile94Val; replaces isoleucine 94 with valine.
Molecular consequence: missense variant. On other transcripts: intron variant (2).
Genome position (GRCh38, 1-based): chr6:75,192,266, T>C on the plus strand (A>G on the coding strand, the complement: COL12A1 is on the minus strand). VCF-style: chr6-75192266-T-C. GRCh37 (hg19) VCF-style: chr6-75901982-T-C.
Other names: c.280A>G, p.Ile94Val (NM_001424113.1, NM_001424114.1, NM_001424115.1); c.73+10454A>G (NM_001424116.1, NM_080645.3); short protein forms I94V.
Identifiers: ClinVar variation 2929332 (VCV002929332.3), dbSNP rs1769970547, ClinGen allele CA364730941.
Genomic context (GRCh38, chr6:75,192,266, plus strand): 5'-GCTTACTTGTTAGTTGTCCTATAACTGGTACACTTTCTTCTACTTCATCATATGAAGTTA[T>C]TGTCACCACATACTCTGTTTCAGGTACAAGTTCTGACAATAAAGTTTCAGTGGTACTAGC-3'
Protein context (NP_004361.3, residues 84-104): LVPETEYVVT[Ile94Val]TSYDEVEESV